The following is an entry in ClinVar:

NM_001378457.1(DMXL2):c.418G>A (p.Asp140Asn)

Gene: DMXL2 (Dmx like 2; minus strand). Cytogenetic location: 15q21.2.
Variant type: single nucleotide variant.
Coding change: c.418G>A on transcript NM_001378457.1 (MANE Select); coding-DNA position 418, G replaced by A.
Protein change: p.Asp140Asn; replaces aspartic acid 140 with asparagine.
Molecular consequence: missense variant. On other transcripts: non-coding transcript variant (2).
Genome position (GRCh38, 1-based): chr15:51,564,207, C>T on the plus strand (G>A on the coding strand, the complement: DMXL2 is on the minus strand). VCF-style: chr15-51564207-C-T. GRCh37 (hg19) VCF-style: chr15-51856404-C-T.
Other names: c.418G>A, p.Asp140Asn (NM_001174116.3, NM_001174117.3, NM_001378458.1 and 7 more transcripts); short protein forms D140N.
Identifiers: ClinVar variation 1698793 (VCV001698793.2), dbSNP rs781499566, ClinGen allele CA392756437.

ClinVar aggregate classification (germline): Uncertain significance (1 of 4 stars; one submission).

Conditions:
Developmental and epileptic encephalopathy, 81. Also called: EPILEPTIC ENCEPHALOPATHY, EARLY INFANTILE, 81. Identifiers: MedGen C5231450, MONDO:0032858, OMIM 618663.

Submission:

Genetics and Molecular Pathology, SA Pathology
Classification: Uncertain significance for Developmental and epileptic encephalopathy, 81. Last evaluated: 2021-12-13. Review status: criteria provided, single submitter. Criteria: ACMG Guidelines, 2015. Collection method: clinical testing. Allele origin: germline. Inheritance: Autosomal recessive inheritance. Affected: yes.
Comment: The DMXL2 c.418G>A variant is a single nucleotide change in exon 5/44 of the DMXL2 gene, which is predicted to change the amino acid aspartic acid at position 140 in the protein to asparagine. This variant is absent from population databases (PM2) and has not been reported in dbSNP. This variant has not been reported in the ClinVar or HGMD disease databases.